The following is an entry in ClinVar:

NM_017763.6(RNF43):c.2005C>T (p.Pro669Ser)

Gene: RNF43 (ring finger protein 43; minus strand). Cytogenetic location: 17q22.
Variant type: single nucleotide variant.
Coding change: c.2005C>T on transcript NM_017763.6 (MANE Select); coding-DNA position 2005, C replaced by T.
Protein change: p.Pro669Ser; replaces proline 669 with serine.
Molecular consequence: missense variant.
Genome position (GRCh38, 1-based): chr17:58,357,771, G>A on the plus strand (C>T on the coding strand, the complement: RNF43 is on the minus strand). VCF-style: chr17-58357771-G-A. GRCh37 (hg19) VCF-style: chr17-56435132-G-A.
Other names: c.2005C>T, p.Pro669Ser (NM_001305544.3); c.1624C>T, p.Pro542Ser (NM_001305545.2); short protein forms P542S, P669S.
Identifiers: ClinVar variation 2016234 (VCV002016234.6), dbSNP rs2143393233, ClinGen allele CA400386607.
Genomic context (GRCh38, chr17:58,357,771, plus strand): 5'-CCACACTGGGGGTGTAATGGGGAAAAATCTGGCAAGCTGGGTGCACAGTTGCATCCTGGG[G>A]CCGAGAGCCAGGGGTGGGCTCGGAGGGACCCCCCCGCCTTTTCCTCTGTGGGTGTCGGGC-3'
Protein context (NP_060233.3, residues 659-679): GPSEPTPGSR[Pro669Ser]QDATVHPACQ

ClinVar aggregate classification (germline): Uncertain significance. Review status: criteria provided, multiple submitters, no conflicts (2 of 4 stars). 3 submissions from 3 submitters: Uncertain significance (3). Last evaluated 2024-11-24.

Submissions (3):

Ambry Genetics
Classification: Uncertain significance. Last evaluated: 2024-11-24. Review status: criteria provided, single submitter. Criteria: Ambry Variant Classification Scheme 2023. Collection method: clinical testing. Allele origin: germline.
Comment: The p.P669S variant (also known as c.2005C>T), located in coding exon 8 of the RNF43 gene, results from a C to T substitution at nucleotide position 2005. The proline at codon 669 is replaced by serine, an amino acid with similar properties. This amino acid position is conserved. In addition, this alteration is predicted to be tolerated by in silico analysis. Based on the available evidence, the clinical significance of this variant remains unclear.

Labcorp Genetics (formerly Invitae), Labcorp
Classification: Uncertain significance. Last evaluated: 2022-07-11. Review status: criteria provided, single submitter. Criteria: Invitae Variant Classification Sherloc (09022015). Collection method: clinical testing. Allele origin: germline.
Comment: Algorithms developed to predict the effect of missense changes on protein structure and function output the following: SIFT: "Deleterious"; PolyPhen-2: "Benign"; Align-GVGD: "Class C0". The serine amino acid residue is found in multiple mammalian species, which suggests that this missense change does not adversely affect protein function. In summary, the available evidence is currently insufficient to determine the role of this variant in disease. Therefore, it has been classified as a Variant of Uncertain Significance. This variant has not been reported in the literature in individuals affected with RNF43-related conditions. This sequence change replaces proline, which is neutral and non-polar, with serine, which is neutral and polar, at codon 669 of the RNF43 protein (p.Pro669Ser). This variant is not present in population databases (gnomAD no frequency).

GeneDx
Classification: Uncertain significance. Last evaluated: 2022-06-16. Review status: criteria provided, single submitter. Criteria: GeneDx Variant Classification Process June 2021. Collection method: clinical testing. Allele origin: germline. Affected: yes.
Comment: Not observed at significant frequency in large population cohorts (gnomAD); In silico analysis supports that this missense variant does not alter protein structure/function; Has not been previously published as pathogenic or benign to our knowledge; Variants in candidate genes are classified as variants of uncertain significance in accordance with ACMG guidelines (Richards et al., 2015)